The following is an entry in ClinVar:

ClinVar aggregate classification (germline): Pathogenic. Review status: criteria provided, single submitter (1 of 4 stars). 2 submissions from 2 submitters: Pathogenic (1). 1 of the submissions does not count toward it. Last evaluated 2019-04-06.

Conditions:
ADSL-related disorder. Also called: ADSL-related condition.
Adenylosuccinate lyase deficiency (ADSLD). Also called: ADSL DEFICIENCY. Identifiers: Orphanet 46, MedGen C0268126, MONDO:0007068, OMIM 103050.

Allele frequency attached by ClinVar (database versions not stated): gnomAD exomes below 0.00001; ExAC 0.00001.
gnomAD v4.1: 2 of 1,609,174 alleles (0.00012%); highest among the groups gnomAD compares: African/African-American, 0.0013%; no homozygotes.

Submissions (2):

Labcorp Genetics (formerly Invitae), Labcorp
Classification: Pathogenic for Adenylosuccinate lyase deficiency. Last evaluated: 2019-04-06. Review status: criteria provided, single submitter. Criteria: Invitae Variant Classification Sherloc (09022015). Collection method: clinical testing. Allele origin: germline.
Comment: For these reasons, this variant has been classified as Pathogenic. Loss-of-function variants in ADSL are known to be pathogenic (PMID: 10888601, 20177786). This variant has not been reported in the literature in individuals with ADSL-related conditions, however, another variant giving rise to the same protein effect (c.134G>A/p.Trp45*) has been reported in a family affected with ADSL-related disease (PMID: 28487569). This variant is present in population databases (rs774435749, ExAC 0.002%). This sequence change creates a premature translational stop signal (p.Trp45*) in the ADSL gene. It is expected to result in an absent or disrupted protein product.

PreventionGenetics, part of Exact Sciences
Classification: Pathogenic for ADSL-related condition. Last evaluated: 2024-07-24. Review status: no assertion criteria provided. Collection method: clinical testing. Allele origin: germline. Not counted in ClinVar's aggregate classification.
Comment: The ADSL c.135G>A variant is predicted to result in premature protein termination (p.Trp45*). To our knowledge, this variant has not been reported in the literature. However, a similar variant leading to the same protein effect, c.134G>A (p.Trp45*), has been reported in the compound heterozygous state in a family with adenylosuccinate lyase deficiency (Mao et al. 2017. PubMed ID: 28487569). This variant is reported in 0.00092% of alleles in individuals of European (Non-Finnish) descent in gnomAD. Nonsense variants in ADSL are expected to be pathogenic. This variant is interpreted as pathogenic.

Literature cited by the submitters: PubMed 10888601 (cited by Labcorp Genetics (formerly Invitae), Labcorp); PubMed 20177786 (cited by Labcorp Genetics (formerly Invitae), Labcorp); PubMed 28487569 (cited by Labcorp Genetics (formerly Invitae), Labcorp).

NM_000026.4(ADSL):c.135G>A (p.Trp45Ter)

Gene: ADSL (adenylosuccinate lyase; plus strand). Cytogenetic location: 22q13.1.
Variant type: single nucleotide variant.
Coding change: c.135G>A on transcript NM_000026.4 (MANE Select); coding-DNA position 135, G replaced by A.
Protein change: p.Trp45Ter; replaces tryptophan 45 with a stop codon.
Molecular consequence: nonsense. On other transcripts: non-coding transcript variant (1), intron variant (1).
Genome position (GRCh38, 1-based): chr22:40,346,693, G>A. VCF-style: chr22-40346693-G-A. GRCh37 (hg19) VCF-style: chr22-40742697-G-A.
Other names: c.135G>A (NM_000026.3); c.135G>A, p.Trp45Ter (NM_001123378.3, NM_001363840.3); c.-40+37G>A (NM_001317923.2); short protein forms W45*.
Identifiers: ClinVar variation 949192 (VCV000949192.8), dbSNP rs774435749, ClinGen allele CA10247611.